The following is an entry in ClinVar:

NM_000394.4(CRYAA):c.6C>T (p.Asp2=)

Gene: CRYAA (crystallin alpha A; plus strand). Cytogenetic location: 21q22.3.
Variant type: single nucleotide variant.
Coding change: c.6C>T on transcript NM_000394.4 (MANE Select); coding-DNA position 6, C replaced by T.
Protein change: p.Asp2=; no amino-acid change (aspartic acid 2 retained).
Molecular consequence: synonymous variant.
Genome position (GRCh38, 1-based): chr21:43,169,105, C>T. VCF-style: chr21-43169105-C-T. GRCh37 (hg19) VCF-style: chr21-44589215-C-T.
Identifiers: ClinVar variation 256010 (VCV000256010.19), dbSNP rs872331, ClinGen allele CA10587360.
Genomic context (GRCh38, chr21:43,169,105, plus strand): 5'-AGAGGCCCCGCTGACTCCTGCCAGCCTCCAGGTCCCCGTGGTACCAAAGCTGAACATGGA[C>T]GTGACCATCCAGCACCCCTGGTTCAAGCGCACCCTGGGGCCCTTCTACCCCAGCCGGCTG-3'
Protein context (NP_000385.1, residues 1-12): M[Asp2=]VTIQHPWFKR

ClinVar aggregate classification (germline): Benign. Review status: criteria provided, multiple submitters, no conflicts (2 of 4 stars). 6 submissions from 6 submitters: Benign (6). Last evaluated 2026-02-02.

Conditions:
Cataract 9 multiple types. Also called: Cataract 9, multiple types, with or without microcornea; Cataract, autosomal recessive congenital 1. Identifiers: Orphanet 1377, MedGen C1858679, MONDO:0011413, OMIM 604219.

Allele frequency attached by ClinVar (database versions not stated): TOPMed 0.03460; 1000 Genomes Project 0.50000; gnomAD exomes 0.53349; ExAC 0.54040; gnomAD 0.60786; ESP Exome Variant Server 0.64370.

Submissions (6):

Labcorp Genetics (formerly Invitae), Labcorp
Classification: Benign for Cataract 9 multiple types. Last evaluated: 2026-02-02. Review status: criteria provided, single submitter. Criteria: Invitae Variant Classification Sherloc (09022015). Collection method: clinical testing. Allele origin: germline.

Genome-Nilou Lab
Classification: Benign for Cataract 9 multiple types. Last evaluated: 2021-07-30. Review status: criteria provided, single submitter. Criteria: ACMG Guidelines, 2015. Collection method: clinical testing. Allele origin: germline. Affected: no.

GeneDx
Classification: Benign. Last evaluated: 2018-05-10. Review status: criteria provided, single submitter. Criteria: GeneDx Variant Classification (06012015). Collection method: clinical testing. Allele origin: germline. Affected: yes.
Comment: This variant is considered likely benign or benign based on one or more of the following criteria: it is a conservative change, it occurs at a poorly conserved position in the protein, it is predicted to be benign by multiple in silico algorithms, and/or has population frequency not consistent with disease.

Illumina Laboratory Services, Illumina
Classification: Benign for Cataract 9 multiple types. Last evaluated: 2018-03-06. Review status: criteria provided, single submitter. Criteria: ICSL Variant Classification Criteria 13 December 2019. Collection method: clinical testing. Allele origin: germline.
Comment: This variant was observed in the ICSL laboratory as part of a predisposition screen in an ostensibly healthy population. It had not been previously curated by ICSL or reported in the Human Gene Mutation Database (HGMD: prior to June 1st, 2018), and was therefore a candidate for classification through an automated scoring system. Utilizing variant allele frequency, disease prevalence and penetrance estimates, and inheritance mode, an automated score was calculated to assess if this variant is too frequent to cause the disease. Based on the score and internal cut-off values, a variant classified as benign is not then subjected to further curation. The score for this variant resulted in a classification of benign for this disease.

Breakthrough Genomics
Classification: Benign. Review status: criteria provided, single submitter. Criteria: ACMG Guidelines, 2015. Collection method: not provided. Allele origin: germline. Inheritance: Autosomal dominant inheritance. Affected: yes.

PreventionGenetics, part of Exact Sciences
Classification: Benign. Review status: criteria provided, single submitter. Criteria: ACMG Guidelines, 2015. Collection method: clinical testing. Allele origin: germline.